The following is an entry in ClinVar:

NM_014208.3(DSPP):c.727G>A (p.Asp243Asn)

Genes: DMP1-AS1 (DMP1 and DSPP antisense RNA 1; minus strand), DSPP (dentin sialophosphoprotein; plus strand). Cytogenetic location: 4q22.1.
Variant type: single nucleotide variant.
Coding change: c.727G>A on transcript NM_014208.3 (MANE Select); coding-DNA position 727, G replaced by A.
Protein change: p.Asp243Asn; replaces aspartic acid 243 with asparagine.
Molecular consequence: missense variant.
Genome position (GRCh38, 1-based): chr4:87,612,913, G>A. VCF-style: chr4-87612913-G-A. GRCh37 (hg19) VCF-style: chr4-88534065-G-A.
Other names: c.727G>A, p.Asp243Asn (LRG_1242t1); short protein forms D243N.
Identifiers: ClinVar variation 197292 (VCV000197292.32), dbSNP rs3750025, ClinGen allele CA202799.
Genomic context (GRCh38, chr4:87,612,913, plus strand): 5'-GGGACTAAGGAAGCTGAGGTAACACCAGGCACTGGAGAAGATGCTGGCCTGGATAATTCC[G>A]ATGGGAGTCCTAGTGGGAATGGAGCAGATGAGGATGAAGACGAGGGTTCTGGTGATGATG-3'
Protein context (NP_055023.2, residues 233-253): TGEDAGLDNS[Asp243Asn]GSPSGNGADE

ClinVar aggregate classification (germline): Benign. Review status: criteria provided, multiple submitters, no conflicts (2 of 4 stars). 8 submissions from 8 submitters: Benign (8). Last evaluated 2026-02-02.

Allele frequency attached by ClinVar (database versions not stated): ESP Exome Variant Server 0.02140; TOPMed 0.04060; 1000 Genomes Project 30x 0.09650; gnomAD 0.04053; 1000 Genomes Project 0.10503.
gnomAD v4.1: 52,520 of 1,614,080 alleles (3.3%); highest among the groups gnomAD compares: East Asian, 32%; 3,226 homozygotes.

Submissions (8):

Labcorp Genetics (formerly Invitae), Labcorp
Classification: Benign. Last evaluated: 2026-02-02. Review status: criteria provided, single submitter. Criteria: Invitae Variant Classification Sherloc (09022015). Collection method: clinical testing. Allele origin: germline.

ARUP Laboratories, Molecular Genetics and Genomics, ARUP Laboratories
Classification: Benign. Last evaluated: 2023-11-28. Review status: criteria provided, single submitter. Criteria: ARUP Molecular Germline Variant Investigation Process 2024. Collection method: clinical testing. Allele origin: germline.

Mayo Clinic Laboratories, Mayo Clinic
Classification: Benign. Last evaluated: 2021-03-25. Review status: criteria provided, single submitter. Criteria: ACMG Guidelines, 2015. Collection method: clinical testing. Allele origin: germline. Observed: 10 variant alleles.

Athena Diagnostics
Classification: Benign. Last evaluated: 2019-02-13. Review status: criteria provided, single submitter. Criteria: Athena Diagnostics Criteria. Collection method: clinical testing. Allele origin: germline.

GeneDx
Classification: Benign. Last evaluated: 2018-11-10. Review status: criteria provided, single submitter. Criteria: GeneDx Variant Classification Process June 2021. Collection method: clinical testing. Allele origin: germline. Affected: yes.
Comment: This variant is associated with the following publications: (PMID: 27884173, 23018043, 18797159)

Eurofins Ntd Llc (ga)
Classification: Benign. Last evaluated: 2015-01-27. Review status: criteria provided, single submitter. Criteria: EGL Classification Definitions 2015. Collection method: clinical testing. Allele origin: germline. Observed: 1 variant allele, 1 heterozygote.

Breakthrough Genomics
Classification: Benign. Review status: criteria provided, single submitter. Criteria: ACMG Guidelines, 2015. Collection method: not provided. Allele origin: germline. Inheritance: Autosomal dominant inheritance. Affected: yes.

PreventionGenetics, part of Exact Sciences
Classification: Benign. Review status: criteria provided, single submitter. Criteria: ACMG Guidelines, 2015. Collection method: clinical testing. Allele origin: germline.